The following is an entry in ClinVar:

ClinVar aggregate classification (germline): Conflicting classifications of pathogenicity. Review status: criteria provided, conflicting classifications (1 of 4 stars). 8 submissions from 7 submitters: Uncertain significance (1); Likely benign (4). 3 of the submissions do not count toward it. Last evaluated 2026-01-12.

Conditions:
Neurodevelopmental disorder with epilepsy.
sporadic NAFE.
Inborn genetic diseases. Identifiers: MedGen C0950123, MeSH D030342.
Developmental and epileptic encephalopathy, 9 (DEE9). Also called: EPILEPSY, FEMALE-RESTRICTED, WITH MENTAL RETARDATION; PCDH19-Related X-Linked Female-Limited Epilepsy with Mental Retardation; Early infantile epileptic encephalopathy 9; JUBERG-HELLMAN SYNDROME. Identifiers: Orphanet 101039, Orphanet 2076, MedGen C1848137, MONDO:0010246, OMIM 300088. Disease mechanism: loss of function.

Allele frequency attached by ClinVar (database versions not stated): ESP Exome Variant Server 0.00039; TOPMed 0.00011; gnomAD 0.00012 and 0.00014; gnomAD exomes 0.00013 and 0.00016; ExAC 0.00014.
gnomAD v4.1: 184 of 1,210,289 alleles (0.015%); highest among the groups gnomAD compares: Non-Finnish European, 0.02%; no homozygotes.

Submissions (8):

Labcorp Genetics (formerly Invitae), Labcorp
Classification: Likely benign for Developmental and epileptic encephalopathy, 9. Last evaluated: 2026-01-12. Review status: criteria provided, single submitter. Criteria: Invitae Variant Classification Sherloc (09022015). Collection method: clinical testing. Allele origin: germline.

CeGaT Center for Human Genetics Tuebingen
Classification: Likely benign. Last evaluated: 2025-08-01. Review status: criteria provided, single submitter. Criteria: CeGaT Center For Human Genetics Tuebingen Variant Classification Criteria Version 2. Collection method: clinical testing. Allele origin: germline. Affected: yes. Observed: 1 variant allele.
Comment: PCDH19: BS2

GeneDx
Classification: Likely benign. Last evaluated: 2020-06-25. Review status: criteria provided, single submitter. Criteria: GeneDx Variant Classification Process June 2021. Collection method: clinical testing. Allele origin: germline. Affected: yes.

Ambry Genetics
Classification: Likely benign for Inborn genetic diseases. Last evaluated: 2018-03-09. Review status: criteria provided, single submitter. Criteria: Ambry Variant Classification Scheme 2023. Collection method: clinical testing. Allele origin: germline.

Genetic Services Laboratory, University of Chicago
Classification: Uncertain significance. Last evaluated: 2015-12-21. Review status: criteria provided, single submitter. Criteria: ACMG Guidelines, 2015. Collection method: clinical testing. Allele origin: germline. Affected: no.

Neurogenetics Research Program, University of Adelaide
Classification: Likely benign for Neurodevelopmental disorder with epilepsy. Last evaluated: 2019-12-20. Review status: no assertion criteria provided. Collection method: research. Allele origin: paternal. Affected: yes. Not counted in ClinVar's aggregate classification.

Neurogenetics Research Program, University of Adelaide
Classification: Likely benign for sporadic NAFE. Last evaluated: 2019-12-20. Review status: no assertion criteria provided. Collection method: research. Allele origin: de novo. Affected: yes. Not counted in ClinVar's aggregate classification.

Department of Pathology and Laboratory Medicine, Sinai Health System
Classification: Uncertain significance. Review status: no assertion criteria provided. Collection method: clinical testing. Allele origin: unknown. Affected: yes. Study: The Canadian Open Genetics Repository (COGR). Not counted in ClinVar's aggregate classification.
Comment: The PCDH19 p.Thr444Ala variant was not identified in the literature nor was it identified in Cosmic or LOVD 3.0. The variant was identified in dbSNP (ID: rs201671718) and in ClinVar (classified as likely benign by GeneDx and Uncertain significance by Genetic Services Laboratory, University of Chicago). The variant was also identified in control databases in 26 of 203692 chromosomes (8 hemizygous) at a frequency of 0.000128 (Genome Aggregation Database Feb 27, 2017). The variant was observed in the following populations: European (non-Finnish) in 25 of 92285 chromosomes (freq: 0.0002709) and Other in 1 of 5270 chromosome (freq: 0.0001898), but not in the African, Latino, Ashkenazi Jewish, East Asian, European (Finnish), and South Asian populations. The variant occurs outside of the splicing consensus sequence and in silico or computational prediction software programs (SpliceSiteFinder, MaxEntScan, NNSPLICE, GeneSplicer) do not predict a difference in splicing. The p.Thr444 residue is conserved across mammals and other organisms, and four out of five computational analyses (PolyPhen-2, SIFT, AlignGVGD, BLOSUM, MutationTaster) suggest that the variant may impact the protein; however, this information is not predictive enough to assume pathogenicity. In summary, based on the above information the clinical significance of this variant cannot be determined with certainty at this time. This variant is classified as a variant of uncertain significance.

NM_001184880.2(PCDH19):c.1330A>G (p.Thr444Ala)

Gene: PCDH19 (protocadherin 19; minus strand). Cytogenetic location: Xq22.1.
Variant type: single nucleotide variant.
Coding change: c.1330A>G on transcript NM_001184880.2 (MANE Select); coding-DNA position 1330, A replaced by G.
Protein change: p.Thr444Ala; replaces threonine 444 with alanine.
Molecular consequence: missense variant.
Genome position (GRCh38, 1-based): chrX:100,407,268, T>C on the plus strand (A>G on the coding strand, the complement: PCDH19 is on the minus strand). VCF-style: chrX-100407268-T-C. GRCh37 (hg19) VCF-style: chrX-99662266-T-C.
Other names: p.T444A:ACT>GCT; c.1330A>G, p.Thr444Ala (NM_001105243.2, NM_020766.3); short protein forms T444A.
Identifiers: ClinVar variation 206296 (VCV000206296.32), dbSNP rs201671718, ClinGen allele CA316245.